The following is an entry in ClinVar:

ClinVar aggregate classification (germline): Uncertain significance (1 of 4 stars; one submission).

Conditions:
VPS13B-related disorder. Also called: VPS13B-related condition.

Submission:

PreventionGenetics, part of Exact Sciences
Classification: Uncertain significance for VPS13B-related condition. Last evaluated: 2025-07-30. Review status: criteria provided, single submitter. Criteria: ACMG Guidelines, 2015. Collection method: clinical testing. Allele origin: germline.
Comment: The VPS13B c.2491A>G variant is predicted to result in the amino acid substitution p.Ile831Val. To our knowledge, this variant has not been reported in the literature or in a large population database (gnomAD), indicating this variant is rare. At this time, the clinical significance of this variant is uncertain due to the absence of conclusive functional and genetic evidence.

NM_152564.5(VPS13B):c.2491A>G (p.Ile831Val)

Gene: VPS13B (vacuolar protein sorting 13 homolog B; plus strand). Cytogenetic location: 8q22.2.
Variant type: single nucleotide variant.
Coding change: c.2491A>G on transcript NM_152564.5 (MANE Select); coding-DNA position 2491, A replaced by G.
Protein change: p.Ile831Val; replaces isoleucine 831 with valine.
Molecular consequence: missense variant.
Genome position (GRCh38, 1-based): chr8:99,193,033, A>G. VCF-style: chr8-99193033-A-G. GRCh37 (hg19) VCF-style: chr8-100205261-A-G.
Other names: c.2491A>G, p.Ile831Val (NM_015243.3, NM_017890.5); short protein forms I831V.
Identifiers: ClinVar variation 5000730 (VCV005000730.1).